The following is an entry in ClinVar:

NM_024757.5(EHMT1):c.3498C>T (p.Asp1166=)

Gene: EHMT1 (euchromatic histone lysine methyltransferase 1; plus strand). Cytogenetic location: 9q34.3.
Variant type: single nucleotide variant.
Coding change: c.3498C>T on transcript NM_024757.5 (MANE Select); coding-DNA position 3498, C replaced by T.
Protein change: p.Asp1166=; no amino-acid change (aspartic acid 1166 retained).
Molecular consequence: synonymous variant.
Genome position (GRCh38, 1-based): chr9:137,818,096, C>T. VCF-style: chr9-137818096-C-T. GRCh37 (hg19) VCF-style: chr9-140712548-C-T.
Other names: c.3477C>T, p.Asp1159= (NM_001354263.2).
Identifiers: ClinVar variation 738823 (VCV000738823.13), dbSNP rs374902198, ClinGen allele CA5375346.

ClinVar aggregate classification (germline): Likely benign. Review status: criteria provided, single submitter (1 of 4 stars). 2 submissions from 2 submitters: Likely benign (1). 1 of the submissions does not count toward it. Last evaluated 2025-03-03.

Conditions:
EHMT1-related disorder. Also called: EHMT1-related condition.
Kleefstra syndrome 1 (KLEFS1). Identifiers: Orphanet 261494, MedGen C0795833, MONDO:0027407, OMIM 610253.

Allele frequency attached by ClinVar (database versions not stated): gnomAD 0.00003; TOPMed 0.00004; ExAC 0.00005; gnomAD exomes 0.00006; ESP Exome Variant Server 0.00008.
gnomAD v4.1: 96 of 1,614,044 alleles (0.0059%); highest among the groups gnomAD compares: Middle Eastern, 0.016%; no homozygotes.

Submissions (2):

Labcorp Genetics (formerly Invitae), Labcorp
Classification: Likely benign for Kleefstra syndrome 1. Last evaluated: 2025-03-03. Review status: criteria provided, single submitter. Criteria: Invitae Variant Classification Sherloc (09022015). Collection method: clinical testing. Allele origin: germline.

PreventionGenetics, part of Exact Sciences
Classification: Likely benign for EHMT1-related condition. Last evaluated: 2024-02-28. Review status: no assertion criteria provided. Collection method: clinical testing. Allele origin: germline. Not counted in ClinVar's aggregate classification.
Comment: This variant is classified as likely benign based on ACMG/AMP sequence variant interpretation guidelines (Richards et al. 2015 PMID: 25741868, with internal and published modifications).